The following is an entry in ClinVar:

NM_001349798.2(FBXW7):c.1565T>C (p.Met522Thr)

Gene: FBXW7 (F-box and WD repeat domain containing 7; minus strand). Cytogenetic location: 4q31.3.
Variant type: single nucleotide variant.
Coding change: c.1565T>C on transcript NM_001349798.2 (MANE Select); coding-DNA position 1565, T replaced by C.
Protein change: p.Met522Thr; replaces methionine 522 with threonine.
Molecular consequence: missense variant.
Genome position (GRCh38, 1-based): chr4:152,326,085, A>G on the plus strand (T>C on the coding strand, the complement: FBXW7 is on the minus strand). VCF-style: chr4-152326085-A-G. GRCh37 (hg19) VCF-style: chr4-153247237-A-G.
Other names: c.1211T>C, p.Met404Thr (NM_001013415.2); c.1325T>C, p.Met442Thr (NM_018315.5); c.1565T>C, p.Met522Thr (NM_033632.3); short protein forms M404T, M442T, M522T.
Identifiers: ClinVar variation 5020923 (VCV005020923.1).

ClinVar aggregate classification (germline): Uncertain significance (1 of 4 stars; one submission).

Submission:

Dasa
Classification: Uncertain significance. Last evaluated: 2025-06-30. Review status: criteria provided, single submitter. Criteria: DASA Assertion Criteria. Collection method: clinical testing. Allele origin: germline.
Comment: NM_001349798.2(FBXW7):c.1565T>C (p.Met522Thr) is a missense variant that results in the substitution of methionine with threonine. This variant is absent from population databases. The currently available literature and clinical evidence are not sufficient to establish a definitive association between this variant and the reported condition. Therefore, this variant is classified as a variant of uncertain significance.